The following is an entry in ClinVar:

NM_004055.5(CAPN5):c.1600A>G (p.Thr534Ala)

Gene: CAPN5 (calpain 5; plus strand). Cytogenetic location: 11q13.5.
Variant type: single nucleotide variant.
Coding change: c.1600A>G on transcript NM_004055.5 (MANE Select); coding-DNA position 1600, A replaced by G.
Protein change: p.Thr534Ala; replaces threonine 534 with alanine.
Molecular consequence: missense variant.
Genome position (GRCh38, 1-based): chr11:77,122,046, A>G. VCF-style: chr11-77122046-A-G. GRCh37 (hg19) VCF-style: chr11-76833092-A-G.
Other names: short protein forms T534A.
Identifiers: ClinVar variation 1379890 (VCV001379890.9), dbSNP rs1424438375, ClinGen allele CA381943738.

ClinVar aggregate classification (germline): Uncertain significance. Review status: criteria provided, multiple submitters, no conflicts (2 of 4 stars). 2 submissions from 2 submitters: Uncertain significance (2). Last evaluated 2025-11-07.

Allele frequency attached by ClinVar (database versions not stated): gnomAD 0.00001; gnomAD exomes 0.00001; TOPMed 0.00001.
gnomAD v4.1: 6 of 1,541,706 alleles (0.00039%); highest among the groups gnomAD compares: Admixed American, 0.002%; no homozygotes.

Submissions (2):

Labcorp Genetics (formerly Invitae), Labcorp
Classification: Uncertain significance. Last evaluated: 2025-11-07. Review status: criteria provided, single submitter. Criteria: Invitae Variant Classification Sherloc (09022015). Collection method: clinical testing. Allele origin: germline.
Comment: This sequence change replaces threonine, which is neutral and polar, with alanine, which is neutral and non-polar, at codon 534 of the CAPN5 protein (p.Thr534Ala). This variant is not present in population databases (gnomAD no frequency). This variant has not been reported in the literature in individuals affected with CAPN5-related conditions. ClinVar contains an entry for this variant (Variation ID: 1379890). An algorithm developed to predict the effect of missense changes on protein structure and function outputs the following: PolyPhen-2: "Benign". The alanine amino acid residue is found in multiple mammalian species, which suggests that this missense change does not adversely affect protein function. In summary, the available evidence is currently insufficient to determine the role of this variant in disease. Therefore, it has been classified as a Variant of Uncertain Significance.

Blueprint Genetics
Classification: Uncertain significance. Last evaluated: 2020-12-16. Review status: criteria provided, single submitter. Criteria: ACMG Guidelines, 2015. Collection method: clinical testing. Allele origin: germline.